The following is an entry in ClinVar:

NM_001372066.1(TFAP2A):c.681G>A (p.Ser227=)

Genes: TFAP2A (transcription factor AP-2 alpha; minus strand), TFAP2A-AS2 (TFAP2A antisense RNA 2; plus strand), LOC121740638 (BRD4-independent group 4 enhancer GRCh37_chr6:10403277-10404476; plus strand). Cytogenetic location: 6p24.3.
Variant type: single nucleotide variant.
Coding change: c.681G>A on transcript NM_001372066.1 (MANE Select); coding-DNA position 681, G replaced by A.
Protein change: p.Ser227=; no amino-acid change (serine 227 retained).
Molecular consequence: synonymous variant. On other transcripts: non-coding transcript variant (1).
Genome position (GRCh38, 1-based): chr6:10,404,597, C>T on the plus strand (G>A on the coding strand, the complement: TFAP2A is on the minus strand). VCF-style: chr6-10404597-C-T. GRCh37 (hg19) VCF-style: chr6-10404830-C-T.
Other names: NM_003220.2:c.675G>A; c.657G>A, p.Ser219= (NM_001032280.3); c.663G>A, p.Ser221= (NM_001042425.3).
Identifiers: ClinVar variation 1695147 (VCV001695147.32), dbSNP rs755569103, ClinGen allele CA3631271.

ClinVar aggregate classification (germline): Likely benign. Review status: criteria provided, single submitter (1 of 4 stars). 2 submissions from 2 submitters: Likely benign (1). 1 of the submissions does not count toward it. Last evaluated 2022-05-01.

Conditions:
TFAP2A-related disorder. Also called: TFAP2A-related condition.

Allele frequency attached by ClinVar (database versions not stated): gnomAD 0.00001; ExAC 0.00002; gnomAD exomes 0.00002 and 0.00006; TOPMed 0.00002.
gnomAD v4.1: 87 of 1,614,054 alleles (0.0054%); highest among the groups gnomAD compares: Non-Finnish European, 0.0066%; no homozygotes.

Submissions (2):

CeGaT Center for Human Genetics Tuebingen
Classification: Likely benign. Last evaluated: 2022-05-01. Review status: criteria provided, single submitter. Criteria: CeGaT Center For Human Genetics Tuebingen Variant Classification Criteria Version 2. Collection method: clinical testing. Allele origin: germline. Affected: yes. Observed: 1 variant allele.
Comment: TFAP2A: BP4

PreventionGenetics, part of Exact Sciences
Classification: Likely benign for TFAP2A-related condition. Last evaluated: 2019-03-20. Review status: no assertion criteria provided. Collection method: clinical testing. Allele origin: germline. Not counted in ClinVar's aggregate classification.
Comment: This variant is classified as likely benign based on ACMG/AMP sequence variant interpretation guidelines (Richards et al. 2015 PMID: 25741868, with internal and published modifications).